The following is an entry in ClinVar:

ClinVar aggregate classification (germline): Likely benign. Review status: criteria provided, multiple submitters, no conflicts (2 of 4 stars). 3 submissions from 3 submitters: Likely benign (3). Last evaluated 2025-12-22.

Conditions:
Ataxia-telangiectasia syndrome (AT). Also called: Cerebello-oculocutaneous telangiectasia; Immunodeficiency with ataxia telangiectasia; Ataxia-telangiectasia, complementation group E; Ataxia-telangiectasia, complementation group D; AT, COMPLEMENTATION GROUP C; ATAXIA-TELANGIECTASIA, COMPLEMENTATION GROUP A. Identifiers: Orphanet 100, MedGen C0004135, MONDO:0008840, OMIM 208900.
Familial cancer of breast. Also called: BREAST CANCER, FAMILIAL; Hereditary breast cancer; hereditary breast carcinoma. Identifiers: Orphanet 227535, MedGen C0346153, MONDO:0016419, OMIM 114480. Disease mechanism: loss of function.

gnomAD v4.1: 1 of 1,612,248 alleles (0.000062%); no homozygotes.

Submissions (3):

Labcorp Genetics (formerly Invitae), Labcorp
Classification: Likely benign for Ataxia-telangiectasia syndrome. Last evaluated: 2025-12-22. Review status: criteria provided, single submitter. Criteria: Invitae Variant Classification Sherloc (09022015). Collection method: clinical testing. Allele origin: germline.

Myriad Genetics, Inc.
Classification: Likely benign for Familial cancer of breast. Last evaluated: 2024-05-24. Review status: criteria provided, single submitter. Criteria: Myriad Autosomal Dominant, Autosomal Recessive and X-Linked Classification Criteria (2023). Collection method: clinical testing. Allele origin: unknown.
Comment: This variant is considered likely benign. This variant is intronic and is not expected to impact mRNA splicing.

GeneDx
Classification: Likely benign. Last evaluated: 2019-11-26. Review status: criteria provided, single submitter. Criteria: GeneDx Variant Classification Process June 2021. Collection method: clinical testing. Allele origin: germline. Affected: yes.

NM_000051.4(ATM):c.5763-7T>C

Genes: ATM (ATM serine/threonine kinase; plus strand), C11orf65 (chromosome 11 open reading frame 65; minus strand). Cytogenetic location: 11q22.3.
Variant type: single nucleotide variant.
Coding change: c.5763-7T>C on transcript NM_000051.4 (MANE Select); 7 bases into the intron before coding-DNA position 5763, T replaced by C.
Molecular consequence: intron variant.
Genome position (GRCh38, 1-based): chr11:108,310,153, T>C. VCF-style: chr11-108310153-T-C. GRCh37 (hg19) VCF-style: chr11-108180880-T-C.
Other names: c.5763-7T>C (NM_001351834.2); c.641-1082A>G (NM_001330368.2); c.*39-1082A>G (NM_001351110.2).
Identifiers: ClinVar variation 524463 (VCV000524463.12), dbSNP rs1555110216, ClinGen allele CA658797760.